The following is an entry in ClinVar:

NM_152305.3(POGLUT1):c.479T>C (p.Met160Thr)

Gene: POGLUT1 (protein O-glucosyltransferase 1; plus strand). Cytogenetic location: 3q13.33.
Variant type: single nucleotide variant.
Coding change: c.479T>C on transcript NM_152305.3 (MANE Select); coding-DNA position 479, T replaced by C.
Protein change: p.Met160Thr; replaces methionine 160 with threonine.
Molecular consequence: missense variant. On other transcripts: non-coding transcript variant (1).
Genome position (GRCh38, 1-based): chr3:119,480,073, T>C. VCF-style: chr3-119480073-T-C. GRCh37 (hg19) VCF-style: chr3-119198920-T-C.
Other names: c.479T>C, p.Met160Thr (NM_020231.3); short protein forms M160T.
Identifiers: ClinVar variation 2074821 (VCV002074821.6), dbSNP rs781389819, ClinGen allele CA2554893.

ClinVar aggregate classification (germline): Uncertain significance. Review status: criteria provided, multiple submitters, no conflicts (2 of 4 stars). 3 submissions from 3 submitters: Uncertain significance (3). Last evaluated 2026-01-05.

Conditions:
Inborn genetic diseases. Identifiers: MedGen C0950123, MeSH D030342.

Allele frequency attached by ClinVar (database versions not stated): gnomAD 0.00003; TOPMed 0.00003; gnomAD exomes 0.00006; ExAC 0.00002.

Submissions (3):

Labcorp Genetics (formerly Invitae), Labcorp
Classification: Uncertain significance. Last evaluated: 2026-01-05. Review status: criteria provided, single submitter. Criteria: Invitae Variant Classification Sherloc (09022015). Collection method: clinical testing. Allele origin: germline.
Comment: This sequence change replaces methionine, which is neutral and non-polar, with threonine, which is neutral and polar, at codon 160 of the POGLUT1 protein (p.Met160Thr). This variant is present in population databases (rs781389819, gnomAD 0.01%). This variant has not been reported in the literature in individuals affected with POGLUT1-related conditions. ClinVar contains an entry for this variant (Variation ID: 2074821). Invitae Evidence Modeling of protein sequence and biophysical properties (such as structural, functional, and spatial information, amino acid conservation, physicochemical variation, residue mobility, and thermodynamic stability) indicates that this missense variant is not expected to disrupt POGLUT1 protein function with a negative predictive value of 80%. In summary, the available evidence is currently insufficient to determine the role of this variant in disease. Therefore, it has been classified as a Variant of Uncertain Significance.

Revvity Omics, Revvity
Classification: Uncertain significance. Last evaluated: 2025-03-18. Review status: criteria provided, single submitter. Criteria: ACMG Guidelines, 2015. Collection method: clinical testing. Allele origin: germline.

Ambry Genetics
Classification: Uncertain significance for Inborn genetic diseases. Last evaluated: 2022-12-01. Review status: criteria provided, single submitter. Criteria: Ambry Variant Classification Scheme 2023. Collection method: clinical testing. Allele origin: germline.